The following is an entry in ClinVar:

NM_007254.4(PNKP):c.1286_1298+6dup

Gene: PNKP (polynucleotide kinase 3'-phosphatase; minus strand). Cytogenetic location: 19q13.33.
Variant type: Duplication.
Coding change: c.1286_1298+6dup on transcript NM_007254.4 (MANE Select); coding-DNA position 1286 through 6 bases into the intron after coding-DNA position 1298, 19 bases duplicated (CGAGCCGCGCCAGGTAGCG).
Molecular consequence: splice donor variant.
Genome position (GRCh38, 1-based): chr19:49,861,766-49,861,784, CGCTACCTGGCGCGGCTCG duplicated on the plus strand (CGAGCCGCGCCAGGTAGCG on the coding strand, the reverse complement: PNKP is on the minus strand); duplicating any 19 consecutive bases within chr19:49,861,766-49,861,786 gives the same sequence; the c. name uses the placement nearest the transcript's 3' end. VCF-style (leftmost placement, unchanged base first): chr19-49861765-A-ACGCTACCTGGCGCGGCTCG. GRCh37 (hg19) VCF-style: chr19-50365022-A-ACGCTACCTGGCGCGGCTCG.
Other names: p.?; c.1286_1298+6dupCGAGCCGCGCCAGGTAGCG (NM_007254.3).
Identifiers: ClinVar variation 206428 (VCV000206428.47), dbSNP rs760249644, ClinGen allele CA209082.
Genomic context (GRCh38, chr19:49,861,765, plus strand): 5'-AAGGAGCTGGATGTGCAGGCCCCGCCCACCCCGCCGCAGGCCACCTACGGCCCCGCGGTC[A>ACGCTACCTGGCGCGGCTCG]CGCTACCTGGCGCGGCTCGCGGCGTCTGGGTTTGTGTTGTCGATGGCGACCCGTTTCCCT-3'

ClinVar aggregate classification (germline): Likely benign. Review status: criteria provided, multiple submitters, no conflicts (2 of 4 stars). 8 submissions from 8 submitters: Likely benign (7). 1 of the submissions does not count toward it. Last evaluated 2026-01-27.

Conditions:
PNKP-related disorder. Also called: PNKP-related disorders; PNKP-related condition.
Inborn genetic diseases. Identifiers: MedGen C0950123, MeSH D030342.
Developmental and epileptic encephalopathy, 12 (DEE12). Identifiers: MedGen C3150988, MONDO:0013389, OMIM 613722.

Submissions (8):

Labcorp Genetics (formerly Invitae), Labcorp
Classification: Likely benign for Developmental and epileptic encephalopathy, 12. Last evaluated: 2026-01-27. Review status: criteria provided, single submitter. Criteria: Invitae Variant Classification Sherloc (09022015). Collection method: clinical testing. Allele origin: germline.

Mayo Clinic Laboratories, Mayo Clinic
Classification: Likely benign. Last evaluated: 2025-05-06. Review status: criteria provided, single submitter. Criteria: ACMG Guidelines, 2015. Collection method: clinical testing. Allele origin: germline. Observed: 4 variant alleles.
Comment: BS1, BP4

CeGaT Center for Human Genetics Tuebingen
Classification: Likely benign. Last evaluated: 2023-04-01. Review status: criteria provided, single submitter. Criteria: CeGaT Center For Human Genetics Tuebingen Variant Classification Criteria Version 2. Collection method: clinical testing. Allele origin: germline. Affected: yes. Observed: 2 variant alleles.
Comment: PNKP: PP3, BS2

Ambry Genetics
Classification: Likely benign for Inborn genetic diseases. Last evaluated: 2022-09-15. Review status: criteria provided, single submitter. Criteria: Ambry Variant Classification Scheme 2023. Collection method: clinical testing. Allele origin: germline.

GeneDx
Classification: Likely benign. Last evaluated: 2020-09-01. Review status: criteria provided, single submitter. Criteria: GeneDx Variant Classification Process June 2021. Collection method: clinical testing. Allele origin: germline. Affected: yes.

Genetic Services Laboratory, University of Chicago
Classification: Likely benign. Last evaluated: 2019-03-18. Review status: criteria provided, single submitter. Criteria: ACMG Guidelines, 2015. Collection method: clinical testing. Allele origin: germline. Affected: no.

Eurofins Ntd Llc (ga)
Classification: Likely benign. Last evaluated: 2017-07-27. Review status: criteria provided, single submitter. Criteria: EGL Classification Definitions 2015. Collection method: clinical testing. Allele origin: germline. Observed: 1 variant allele, 1 heterozygote.

PreventionGenetics, part of Exact Sciences
Classification: Benign for PNKP-related condition. Last evaluated: 2019-07-01. Review status: no assertion criteria provided. Collection method: clinical testing. Allele origin: germline. Not counted in ClinVar's aggregate classification.
Comment: This variant is classified as benign based on ACMG/AMP sequence variant interpretation guidelines (Richards et al. 2015 PMID: 25741868, with internal and published modifications).